The following is an entry in ClinVar:

ClinVar aggregate classification (germline): Uncertain significance (1 of 4 stars; one submission).

Conditions:
Hereditary cancer-predisposing syndrome. Also called: Hereditary neoplastic syndrome; Hereditary Cancer Syndrome; Neoplastic Syndromes, Hereditary; Tumor predisposition. Identifiers: Orphanet 140162, MedGen C0027672, MeSH D009386, MONDO:0015356.

Submission:

Ambry Genetics
Classification: Uncertain significance for Hereditary cancer-predisposing syndrome. Last evaluated: 2023-04-19. Review status: criteria provided, single submitter. Criteria: Ambry Variant Classification Scheme 2023. Collection method: clinical testing. Allele origin: germline.
Comment: The p.M334R variant (also known as c.1001T>G), located in coding exon 11 of the NF2 gene, results from a T to G substitution at nucleotide position 1001. The methionine at codon 334 is replaced by arginine, an amino acid with similar properties. This amino acid position is conserved. In addition, the in silico prediction for this alteration is inconclusive. Since supporting evidence is limited at this time, the clinical significance of this alteration remains unclear.

NM_000268.4(NF2):c.1001T>G (p.Met334Arg)

Gene: NF2 (NF2, moesin-ezrin-radixin like (MERLIN) tumor suppressor; plus strand). Cytogenetic location: 22q12.2.
Variant type: single nucleotide variant.
Coding change: c.1001T>G on transcript NM_000268.4 (MANE Select); coding-DNA position 1001, T replaced by G.
Protein change: p.Met334Arg; replaces methionine 334 with arginine.
Molecular consequence: missense variant. On other transcripts: intron variant (1).
Genome position (GRCh38, 1-based): chr22:29,671,827, T>G. VCF-style: chr22-29671827-T-G. GRCh37 (hg19) VCF-style: chr22-30067816-T-G.
Other names: c.467T>G, p.Met156Arg (NM_001407065.1); c.1001T>G, p.Met334Arg (NM_001407066.1, NM_016418.5, NM_181825.3 and 2 more transcripts); c.770T>G, p.Met257Arg (NM_001407067.1); c.875T>G, p.Met292Arg (NM_181828.3, NM_001407055.1); c.878T>G, p.Met293Arg (NM_181829.3, NM_001407054.1, NM_001407058.1); c.752T>G, p.Met251Arg (NM_181830.3, NM_181831.3, NM_001407063.1 and 1 more transcripts); c.448-22925T>G (NM_181833.3); c.887T>G, p.Met296Arg (NM_001407053.1, NM_001407056.1); and 2 more; short protein forms M251R, M289R, M293R, M248R, M257R, M296R, M156R, M292R.
Identifiers: ClinVar variation 2568055 (VCV002568055.2), dbSNP rs2066798910, ClinGen allele CA411146647.